The following is an entry in ClinVar:

ClinVar aggregate classification (germline): Uncertain significance. Review status: criteria provided, multiple submitters, no conflicts (2 of 4 stars). 3 submissions from 3 submitters: Uncertain significance (3). Last evaluated 2025-07-23.

Conditions:
Hereditary cancer-predisposing syndrome. Also called: Neoplastic Syndromes, Hereditary; Hereditary neoplastic syndrome; Tumor predisposition; Hereditary Cancer Syndrome. Identifiers: Orphanet 140162, MedGen C0027672, MeSH D009386, MONDO:0015356.
Ataxia-telangiectasia syndrome (AT). Also called: Ataxia telangiectasia (A-T); Cerebello-oculocutaneous telangiectasia; Immunodeficiency with ataxia telangiectasia; LOUIS-BAR SYNDROME; AT, COMPLEMENTATION GROUP C; ATAXIA-TELANGIECTASIA, FRESNO VARIANT. Identifiers: Orphanet 100, MedGen C0004135, MONDO:0008840, OMIM 208900.

Submissions (3):

Ambry Genetics
Classification: Uncertain significance for Hereditary cancer-predisposing syndrome. Last evaluated: 2025-07-23. Review status: criteria provided, single submitter. Criteria: Ambry Variant Classification Scheme 2023. Collection method: clinical testing. Allele origin: germline.
Comment: The p.E2039G variant (also known as c.6116A>G), located in coding exon 41 of the ATM gene, results from an A to G substitution at nucleotide position 6116. The glutamic acid at codon 2039 is replaced by glycine, an amino acid with similar properties. This amino acid position is highly conserved in available vertebrate species. In addition, the in silico prediction for this alteration is inconclusive. Since supporting evidence is limited at this time, the clinical significance of this alteration remains unclear.

Color Diagnostics, LLC DBA Color Health
Classification: Uncertain significance for Hereditary cancer-predisposing syndrome. Last evaluated: 2022-12-22. Review status: criteria provided, single submitter. Criteria: ACMG Guidelines, 2015. Collection method: clinical testing. Allele origin: germline.
Comment: This missense variant replaces glutamic acid with glycine at codon 2039 of the ATM protein. Computational prediction is inconclusive regarding the impact of this variant on protein structure and function (internally defined REVEL score threshold 0.5 < inconclusive < 0.7, PMID: 27666373). To our knowledge, functional studies have not been reported for this variant. This variant has not been reported in individuals affected with ATM-related disorders in the literature. This variant has not been identified in the general population by the Genome Aggregation Database (gnomAD). A different variant occurring at the same codon, p.Glu2039Lys, is a pathogenic mutation (Clinvar variation ID: 219787), indicating that glutamic acid at this position is important for ATM protein function. The available evidence is insufficient to determine the role of this variant in disease conclusively. Therefore, this variant is classified as a Variant of Uncertain Significance.

Labcorp Genetics (formerly Invitae), Labcorp
Classification: Uncertain significance for Ataxia-telangiectasia syndrome. Last evaluated: 2022-08-13. Review status: criteria provided, single submitter. Criteria: Invitae Variant Classification Sherloc (09022015). Collection method: clinical testing. Allele origin: germline.
Comment: Advanced modeling of protein sequence and biophysical properties (such as structural, functional, and spatial information, amino acid conservation, physicochemical variation, residue mobility, and thermodynamic stability) performed at Invitae indicates that this missense variant is not expected to disrupt ATM protein function. This sequence change replaces glutamic acid, which is acidic and polar, with glycine, which is neutral and non-polar, at codon 2039 of the ATM protein (p.Glu2039Gly). This variant is not present in population databases (gnomAD no frequency). This variant has not been reported in the literature in individuals affected with ATM-related conditions. ClinVar contains an entry for this variant (Variation ID: 232104). This variant disrupts the p.Glu2019 amino acid residue in ATM. Other variant(s) that disrupt this residue have been determined to be pathogenic (PMID: 19431188, 19781682, 22071889, 28975465; Invitae). This suggests that this residue is clinically significant, and that variants that disrupt this residue are likely to be disease-causing. In summary, the available evidence is currently insufficient to determine the role of this variant in disease. Therefore, it has been classified as a Variant of Uncertain Significance.

Literature cited by the submitters: PubMed 19431188 (cited by Ambry Genetics and Labcorp Genetics (formerly Invitae), Labcorp); PubMed 27479817 (cited by Ambry Genetics); PubMed 19781682 (cited by Labcorp Genetics (formerly Invitae), Labcorp); PubMed 22071889 (cited by Labcorp Genetics (formerly Invitae), Labcorp); PubMed 28975465 (cited by Labcorp Genetics (formerly Invitae), Labcorp).

NM_000051.4(ATM):c.6116A>G (p.Glu2039Gly)

Genes: ATM (ATM serine/threonine kinase; plus strand), C11orf65 (chromosome 11 open reading frame 65; minus strand). Cytogenetic location: 11q22.3.
Variant type: single nucleotide variant.
Coding change: c.6116A>G on transcript NM_000051.4 (MANE Select); coding-DNA position 6116, A replaced by G.
Protein change: p.Glu2039Gly; replaces glutamic acid 2039 with glycine.
Molecular consequence: missense variant. On other transcripts: intron variant (2).
Genome position (GRCh38, 1-based): chr11:108,316,031, A>G. VCF-style: chr11-108316031-A-G. GRCh37 (hg19) VCF-style: chr11-108186758-A-G.
Other names: c.6116A>G, p.Glu2039Gly (NM_001351834.2); c.641-6960T>C (NM_001330368.2); c.*39-6960T>C (NM_001351110.2); short protein forms E2039G.
Identifiers: ClinVar variation 232104 (VCV000232104.14), dbSNP rs876659558, ClinGen allele CA10579211.
Genomic context (GRCh38, chr11:108,316,031, plus strand): 5'-GTGTAAAACCCAAAGCTATTTTCACAATCTTTTCTTATAGACTACGAACATATGAACACG[A>G]AGCAATGTGGGGCAAAGCCCTAGTAACATATGACCTCGAAACAGCAATCCCCTCATCAAC-3'
Protein context (NP_000042.3, residues 2029-2049): PITRLRTYEH[Glu2039Gly]AMWGKALVTY